The following is an entry in ClinVar:

ClinVar aggregate classification (germline): Uncertain significance (1 of 4 stars; one submission).

Allele frequency attached by ClinVar (database versions not stated): gnomAD 0.00001.

Submission:

Ambry Genetics
Classification: Uncertain significance. Last evaluated: 2025-04-21. Review status: criteria provided, single submitter. Criteria: Ambry Variant Classification Scheme 2023. Collection method: clinical testing. Allele origin: germline.
Comment: The p.A1169T variant (also known as c.3505G>A), located in coding exon 4 of the MLH3 gene, results from a G to A substitution at nucleotide position 3505. The alanine at codon 1169 is replaced by threonine, an amino acid with similar properties. This amino acid position is well conserved in available vertebrate species. In addition, this alteration is predicted to be tolerated by in silico analysis. The evidence for this gene-disease relationship is limited; therefore, the clinical significance of this alteration is unclear.

NM_001040108.2(MLH3):c.3505G>A (p.Ala1169Thr)

Gene: MLH3 (mutL homolog 3; minus strand). Cytogenetic location: 14q24.3.
Variant type: single nucleotide variant.
Coding change: c.3505G>A on transcript NM_001040108.2 (MANE Select); coding-DNA position 3505, G replaced by A.
Protein change: p.Ala1169Thr; replaces alanine 1169 with threonine.
Molecular consequence: missense variant.
Genome position (GRCh38, 1-based): chr14:75,039,976, C>T on the plus strand (G>A on the coding strand, the complement: MLH3 is on the minus strand). VCF-style: chr14-75039976-C-T. GRCh37 (hg19) VCF-style: chr14-75506679-C-T.
Other names: c.3505G>A, p.Ala1169Thr (NM_014381.3); short protein forms A1169T.
Identifiers: ClinVar variation 1732108 (VCV001732108.3), dbSNP rs1891724147, ClinGen allele CA390428882.